The following is an entry in ClinVar:

ClinVar aggregate classification (germline): Uncertain significance (1 of 4 stars; one submission).

Submission:

Labcorp Genetics (formerly Invitae), Labcorp
Classification: Uncertain significance. Last evaluated: 2022-09-01. Review status: criteria provided, single submitter. Criteria: Invitae Variant Classification Sherloc (09022015). Collection method: clinical testing. Allele origin: germline.
Comment: This sequence change replaces aspartic acid, which is acidic and polar, with serine, which is neutral and polar, at codon 444 of the KIAA0753 protein (p.Asp444Ser). ClinVar contains an entry for this variant (Variation ID: 1359467). This variant has not been reported in the literature in individuals affected with KIAA0753-related conditions. The frequency data for this variant in the population databases is considered unreliable, as metrics indicate poor data quality at this position in the gnomAD database. In summary, the available evidence is currently insufficient to determine the role of this variant in disease. Therefore, it has been classified as a Variant of Uncertain Significance. Algorithms developed to predict the effect of sequence changes on RNA splicing suggest that this variant may create or strengthen a splice site. Algorithms developed to predict the effect of missense changes on protein structure and function are either unavailable or do not agree on the potential impact of this missense change (SIFT: "Not Available"; PolyPhen-2: "Benign"; Align-GVGD: "Not Available").

NM_014804.3(KIAA0753):c.1330_1331delinsAG (p.Asp444Ser)

Gene: KIAA0753 (KIAA0753; minus strand). Cytogenetic location: 17p13.1.
Variant type: Indel.
Coding change: c.1330_1331delinsAG on transcript NM_014804.3 (MANE Select); coding-DNA positions 1330 to 1331, GA replaced by AG.
Protein change: p.Asp444Ser; replaces aspartic acid 444 with serine.
Molecular consequence: missense variant.
Genome position (GRCh38, 1-based): chr17:6,612,133-6,612,134, TC replaced by CT on the plus strand (GA replaced by AG on the coding strand, the reverse complement: KIAA0753 is on the minus strand). VCF-style: chr17-6612133-TC-CT. GRCh37 (hg19) VCF-style: chr17-6515453-TC-CT.
Other names: c.433_434delinsAG, p.Asp145Ser (NM_001351225.2); short protein forms D145S, D444S.
Identifiers: ClinVar variation 1359467 (VCV001359467.8), dbSNP rs2150840537, ClinGen allele CA2573154482.